The following is an entry in ClinVar:

NM_000256.3(MYBPC3):c.3163A>T (p.Lys1055Ter)

Gene: MYBPC3 (myosin binding protein C3; minus strand). Cytogenetic location: 11p11.2.
Variant type: single nucleotide variant.
Coding change: c.3163A>T on transcript NM_000256.3 (MANE Select); coding-DNA position 3163, A replaced by T.
Protein change: p.Lys1055Ter; replaces lysine 1055 with a stop codon.
Molecular consequence: nonsense.
Genome position (GRCh38, 1-based): chr11:47,333,584, T>A on the plus strand (A>T on the coding strand, the complement: MYBPC3 is on the minus strand). VCF-style: chr11-47333584-T-A. GRCh37 (hg19) VCF-style: chr11-47355135-T-A.
Other names: c.3163A>T, p.Lys1055Ter (LRG_386t1); short protein forms K1055*.
Identifiers: ClinVar variation 222702 (VCV000222702.12), dbSNP rs869025461, ClinGen allele CA352035.

ClinVar aggregate classification (germline): Pathogenic. Review status: criteria provided, multiple submitters, no conflicts (2 of 4 stars). 5 submissions from 5 submitters: Pathogenic (5). Last evaluated 2024-10-31.

Conditions:
Cardiovascular phenotype. Identifiers: MedGen CN230736.
Hypertrophic cardiomyopathy 4. Also called: Familial hypertrophic cardiomyopathy 4. Identifiers: MedGen C1861862, MONDO:0007268, OMIM 115197.
Hypertrophic cardiomyopathy. Also called: HYPERTROPHIC MYOCARDIOPATHY. Identifiers: Orphanet 217569, MedGen C0007194, MeSH D002312, MONDO:0005045, HP:0001639.

Allele frequency attached by ClinVar (database versions not stated): gnomAD exomes below 0.00001.
gnomAD v4.1: 2 of 1,601,318 alleles (0.00012%); highest among the groups gnomAD compares: Non-Finnish European, 0.00017%; no homozygotes.

Submissions (5):

GeneDx
Classification: Pathogenic. Last evaluated: 2024-10-31. Review status: criteria provided, single submitter. Criteria: GeneDx Variant Classification Process June 2021. Collection method: clinical testing. Allele origin: germline. Affected: yes.
Comment: Nonsense variant predicted to result in protein truncation or nonsense mediated decay in a gene for which loss of function is a known mechanism of disease; Not observed at significant frequency in large population cohorts (gnomAD); This variant is associated with the following publications: (PMID: 27532257, 24704860, 33325730, 33087929, 37652022, 36243179, 22267749)

Ambry Genetics
Classification: Pathogenic for Cardiovascular phenotype. Last evaluated: 2024-05-17. Review status: criteria provided, single submitter. Criteria: Ambry Variant Classification Scheme 2023. Collection method: clinical testing. Allele origin: germline.
Comment: The p.K1055* pathogenic mutation (also known as c.3163A>T), located in coding exon 29 of the MYBPC3 gene, results from an A to T substitution at nucleotide position 3163. This changes the amino acid from a lysine to a stop codon within coding exon 29. This variant has been reported in individuals from hypertrophic cardiomyopathy cohorts (Page SP et al. Circ Cardiovasc Genet, 2012 Apr;5:156-66; Walsh R et al. Genet Med, 2017 Feb;19:192-203; Helms AS et al. Circ Genom Precis Med, 2020 Oct;13:396-405). This variant is considered to be rare based on population cohorts in the Genome Aggregation Database (gnomAD). This alteration is expected to result in loss of function by premature protein truncation or nonsense-mediated mRNA decay. As such, this alteration is interpreted as a disease-causing mutation.

Labcorp Genetics (formerly Invitae), Labcorp
Classification: Pathogenic for Hypertrophic cardiomyopathy. Last evaluated: 2022-04-05. Review status: criteria provided, single submitter. Criteria: Invitae Variant Classification Sherloc (09022015). Collection method: clinical testing. Allele origin: germline.
Comment: This premature translational stop signal has been observed in individual(s) with hypertrophic cardiomyopathy (PMID: 22267749, 27532257). ClinVar contains an entry for this variant (Variation ID: 222702). Algorithms developed to predict the effect of sequence changes on RNA splicing suggest that this variant may create or strengthen a splice site. For these reasons, this variant has been classified as Pathogenic. This variant is not present in population databases (gnomAD no frequency). This sequence change creates a premature translational stop signal (p.Lys1055*) in the MYBPC3 gene. It is expected to result in an absent or disrupted protein product. Loss-of-function variants in MYBPC3 are known to be pathogenic (PMID: 19574547).

Victorian Clinical Genetics Services, Murdoch Childrens Research Institute
Classification: Pathogenic for Hypertrophic cardiomyopathy 4. Last evaluated: 2020-05-25. Review status: criteria provided, single submitter. Criteria: ACMG Guidelines, 2015. Collection method: clinical testing. Allele origin: germline. Affected: yes.
Comment: Based on the classification scheme VCGS_Germline_v1.1.1, this variant is classified as Pathogenic. Following criteria are met: 0102 - Loss-of-function is a known mechanism of disease for this gene. (N) 0108 - This gene is known to be associated with both recessive and dominant disease (OMIM) (N) 0112 - Variants in this gene are known to have reduced penetrance (OMIM). (N) 0201 - Variant is predicted to cause nonsense-mediated decay (NMD) and loss of protein (exon 29 of 35). (P) 0251 - Variant is heterozygous. (N) 0301 - Variant is absent from gnomAD. (P) 0701 - Comparable variants have very strong previous evidence for pathogenicity. Many other NMD predicted variants have previously been reported as pathogenic (ClinVar) (P) 0802 - Moderate previous evidence of pathogenicity in unrelated individuals ~5 individuals affected with HCM (ClinVar, PMID: 22267749, 25228707) (P) 0903 - Low evidence for segregation with disease. This variant was identified in three affected individuals in one family (PMID: 22267749) (P) 1007 - No published functional evidence has been identified for this variant. (N) 1208 - Inheritance information for this variant is not currently available. (N) Legend: (P) - Pathogenic, (N) - Neutral, (B) - Benign

Laboratory for Molecular Medicine, Mass General Brigham Personalized Medicine
Classification: Pathogenic for Hypertrophic cardiomyopathy. Last evaluated: 2019-10-14. Review status: criteria provided, single submitter. Criteria: ACMG Guidelines, 2015. Collection method: clinical testing. Allele origin: germline.
Comment: The p.Lys1055X variant in MYBPC3 has been identified in at least 4 individuals with HCM (Page 2012, Walsh 2017). It was absent from large population studies but has been reported in ClinVar (Variation ID #222702). This nonsense variant leads to a premature termination codon at position 1055, which is predicted to lead to a truncated or absent protein. Loss of function of the MYBPC3 gene is an established disease mechanism in autosomal dominant HCM. In summary, this variant meets criteria to be classified as pathogenic for autosomal dominant HCM. ACMG/AMP Criteria applied: PVS1, PM2, PS4_Supporting.

Literature cited by the submitters: PubMed 22267749 (cited by 4 submitters); PubMed 27532257 (cited by 3 submitters); PubMed 32841044 (cited by Ambry Genetics); PubMed 19574547 (cited by Labcorp Genetics (formerly Invitae), Labcorp); PubMed 25228707 (cited by Victorian Clinical Genetics Services, Murdoch Childrens Research Institute).